The following is an entry in ClinVar:

NM_000211.5(ITGB2):c.314T>C (p.Leu105Pro)

Gene: ITGB2 (integrin subunit beta 2; minus strand). Cytogenetic location: 21q22.3.
Variant type: single nucleotide variant.
Coding change: c.314T>C on transcript NM_000211.5 (MANE Select); coding-DNA position 314, T replaced by C.
Protein change: p.Leu105Pro; replaces leucine 105 with proline.
Molecular consequence: missense variant.
Genome position (GRCh38, 1-based): chr21:44,906,929, A>G on the plus strand (T>C on the coding strand, the complement: ITGB2 is on the minus strand). VCF-style: chr21-44906929-A-G. GRCh37 (hg19) VCF-style: chr21-46326844-A-G.
Other names: c.314T>C, p.Leu105Pro (NM_001127491.3); c.107T>C, p.Leu36Pro (NM_001303238.2); c.314T>C (NM_000211.3); short protein forms L105P, L36P.
Identifiers: ClinVar variation 838604 (VCV000838604.12), dbSNP rs145851783, ClinGen allele CA10063265.

ClinVar aggregate classification (germline): Conflicting classifications of pathogenicity. Review status: criteria provided, conflicting classifications (1 of 4 stars). 3 submissions from 3 submitters: Likely pathogenic (2); Uncertain significance (1). Last evaluated 2025-10-06.

Conditions:
Leukocyte adhesion deficiency 1 (LAD1). Also called: LAD 1; Lymphocyte function-associated antigen 1 immunodeficiency; LFA 1 immunodeficiency; LEUKOCYTE ADHESION DEFICIENCY, TYPE I. Identifiers: Orphanet 2968, Orphanet 99842, MedGen C0398738, MONDO:0007293, OMIM 116920.

Allele frequency attached by ClinVar (database versions not stated): gnomAD exomes 0.00002 and 0.00008; 1000 Genomes Project 0.00020; gnomAD 0.00031 and 0.00028; ExAC 0.00012; ESP Exome Variant Server 0.00046; TOPMed 0.00028; 1000 Genomes Project 30x 0.00031.
gnomAD v4.1: 73 of 1,613,988 alleles (0.0045%); highest among the groups gnomAD compares: African/African-American, 0.091%; no homozygotes.

Submissions (3):

GeneDx
Classification: Likely pathogenic. Last evaluated: 2025-10-06. Review status: criteria provided, single submitter. Criteria: GeneDx Variant Classification Process June 2021. Collection method: clinical testing. Allele origin: germline.
Comment: Published functional studies suggest L105P impairs cell surface expression (PMID: 25514840); In silico analysis supports that this missense variant has a deleterious effect on protein structure/function; This variant is associated with the following publications: (PMID: 9531311, 22134107, 37002583, 20807363, 25514840, 39081307)

Labcorp Genetics (formerly Invitae), Labcorp
Classification: Likely pathogenic for Leukocyte adhesion deficiency 1. Last evaluated: 2025-08-23. Review status: criteria provided, single submitter. Criteria: Invitae Variant Classification Sherloc (09022015). Collection method: clinical testing. Allele origin: germline.
Comment: This sequence change replaces leucine, which is neutral and non-polar, with proline, which is neutral and non-polar, at codon 105 of the ITGB2 protein (p.Leu105Pro). This variant is present in population databases (rs145851783, gnomAD 0.1%). This missense change has been observed in individual(s) with leukocyte adhesion deficiency type 1 (PMID: 20807363, 37002583; internal data). In at least one individual the data is consistent with being in trans (on the opposite chromosome) from a pathogenic variant. ClinVar contains an entry for this variant (Variation ID: 838604). Invitae Evidence Modeling of protein sequence and biophysical properties (such as structural, functional, and spatial information, amino acid conservation, physicochemical variation, residue mobility, and thermodynamic stability) has been performed for this missense variant. However, the output from this modeling did not meet the statistical confidence thresholds required to predict the impact of this variant on ITGB2 protein function. Experimental studies have shown that this missense change affects ITGB2 function (PMID: 25514840). In summary, the currently available evidence indicates that the variant is pathogenic, but additional data are needed to prove that conclusively. Therefore, this variant has been classified as Likely Pathogenic.

Fulgent Genetics
Classification: Uncertain significance for Leukocyte adhesion deficiency 1. Last evaluated: 2021-11-08. Review status: criteria provided, single submitter. Criteria: ACMG Guidelines, 2015. Collection method: clinical testing. Allele origin: unknown.

Literature cited by the submitters: PubMed 20807363 (cited by Labcorp Genetics (formerly Invitae), Labcorp); PubMed 37002583 (cited by Labcorp Genetics (formerly Invitae), Labcorp); PubMed 25514840 (cited by Labcorp Genetics (formerly Invitae), Labcorp).